The following is an entry in ClinVar:

ClinVar aggregate classification (germline): Uncertain significance (1 of 4 stars; one submission).

Conditions:
Amyotrophic lateral sclerosis type 4 (ALS4). Also called: AMYOTROPHIC LATERAL SCLEROSIS 4, JUVENILE; NEURONOPATHY, DISTAL HEREDITARY MOTOR, WITH PYRAMIDAL FEATURES. Identifiers: Orphanet 357043, MedGen C1865409, MONDO:0011223, OMIM 602433.
Spinocerebellar ataxia, autosomal recessive, with axonal neuropathy 2 (SCAN2). Also called: Ataxia with Oculomotor Apraxia; ATAXIA-OCULOMOTOR APRAXIA 2; Ataxia-ocular apraxia-2; Ataxia with Oculomotor Apraxia Type 2. Identifiers: Orphanet 64753, MedGen C1853761, MONDO:0018996, OMIM 606002.

Submission:

Labcorp Genetics (formerly Invitae), Labcorp
Classification: Uncertain significance for Amyotrophic lateral sclerosis type 4; Spinocerebellar ataxia, autosomal recessive, with axonal neuropathy 2. Last evaluated: 2018-03-08. Review status: criteria provided, single submitter. Criteria: Invitae Variant Classification Sherloc (09022015). Collection method: clinical testing. Allele origin: germline.
Comment: In summary, the available evidence is currently insufficient to determine the role of this variant in disease. Therefore, it has been classified as a Variant of Uncertain Significance. Algorithms developed to predict the effect of missense changes on protein structure and function (SIFT, PolyPhen-2, Align-GVGD) all suggest that this variant is likely to be tolerated, but these predictions have not been confirmed by published functional studies and their clinical significance is uncertain. This variant has not been reported in the literature in individuals with SETX-related disease. This variant is not present in population databases (ExAC no frequency). This sequence change replaces lysine with asparagine at codon 2494 of the SETX protein (p.Lys2494Asn). The lysine residue is weakly conserved and there is a moderate physicochemical difference between lysine and asparagine.

NM_015046.7(SETX):c.7482G>C (p.Lys2494Asn)

Gene: SETX (senataxin; minus strand). Cytogenetic location: 9q34.13.
Variant type: single nucleotide variant.
Coding change: c.7482G>C on transcript NM_015046.7 (MANE Select); coding-DNA position 7482, G replaced by C.
Protein change: p.Lys2494Asn; replaces lysine 2494 with asparagine.
Molecular consequence: missense variant.
Genome position (GRCh38, 1-based): chr9:132,264,791, C>G on the plus strand (G>C on the coding strand, the complement: SETX is on the minus strand). VCF-style: chr9-132264791-C-G. GRCh37 (hg19) VCF-style: chr9-135140178-C-G.
Other names: c.7482G>C, p.Lys2494Asn (NM_001351527.2); c.7569G>C, p.Lys2523Asn (NM_001351528.2); short protein forms K2494N, K2523N.
Identifiers: ClinVar variation 576128 (VCV000576128.9), dbSNP rs1564464193, ClinGen allele CA375325308.
Genomic context (GRCh38, chr9:132,264,791, plus strand): 5'-GTCAGAGGGTGTGTGGTATAGAGAAGCAGCAACAGATGTCTTGGCAAATCCACTGTCTAG[C>G]TTGCTGCTGGGCAAACCACCCTGGGGTCTGGACCCCTCTGGGGCTATGGTAGGAGGGTGA-3'
Protein context (NP_055861.3, residues 2484-2504): SRPQGGLPSS[Lys2494Asn]LDSGFAKTSV